The following is an entry in ClinVar:

ClinVar aggregate classification (germline): Uncertain significance. Review status: criteria provided, multiple submitters, no conflicts (2 of 4 stars). 2 submissions from 2 submitters: Uncertain significance (2). Last evaluated 2025-02-14.

Conditions:
Melanoma, cutaneous malignant, susceptibility to, 5. Also called: Cutaneous malignant melanoma 5. Identifiers: Orphanet 618, MedGen C2751295, MONDO:0013133, OMIM 613099.

Allele frequency attached by ClinVar (database versions not stated): gnomAD exomes 0.00001 and below 0.00001; TOPMed below 0.00001.

Submissions (2):

Ambry Genetics
Classification: Uncertain significance. Last evaluated: 2025-02-14. Review status: criteria provided, single submitter. Criteria: Ambry Variant Classification Scheme 2023. Collection method: clinical testing. Allele origin: germline.
Comment: The p.C75R variant (also known as c.223T>C), located in coding exon 1 of the MC1R gene, results from a T to C substitution at nucleotide position 223. The cysteine at codon 75 is replaced by arginine, an amino acid with highly dissimilar properties. This amino acid position is conserved. In addition, this alteration is predicted to be tolerated by in silico analysis. Based on the available evidence, the clinical significance of this variant remains unclear.

Labcorp Genetics (formerly Invitae), Labcorp
Classification: Uncertain significance for Melanoma, cutaneous malignant, susceptibility to, 5. Last evaluated: 2024-10-08. Review status: criteria provided, single submitter. Criteria: Invitae Variant Classification Sherloc (09022015). Collection method: clinical testing. Allele origin: germline.
Comment: This sequence change replaces cysteine, which is neutral and slightly polar, with arginine, which is basic and polar, at codon 75 of the MC1R protein (p.Cys75Arg). This variant is present in population databases (no rsID available, gnomAD 0.003%). This variant has not been reported in the literature in individuals affected with MC1R-related conditions. ClinVar contains an entry for this variant (Variation ID: 663941). Invitae Evidence Modeling of protein sequence and biophysical properties (such as structural, functional, and spatial information, amino acid conservation, physicochemical variation, residue mobility, and thermodynamic stability) indicates that this missense variant is not expected to disrupt MC1R protein function with a negative predictive value of 80%. In summary, the available evidence is currently insufficient to determine the role of this variant in disease. Therefore, it has been classified as a Variant of Uncertain Significance.

NM_002386.4(MC1R):c.223T>C (p.Cys75Arg)

Gene: MC1R (melanocortin 1 receptor; plus strand). Cytogenetic location: 16q24.3.
Variant type: single nucleotide variant.
Coding change: c.223T>C on transcript NM_002386.4 (MANE Select); coding-DNA position 223, T replaced by C.
Protein change: p.Cys75Arg; replaces cysteine 75 with arginine.
Molecular consequence: missense variant.
Genome position (GRCh38, 1-based): chr16:89,919,481, T>C. VCF-style: chr16-89919481-T-C. GRCh37 (hg19) VCF-style: chr16-89985889-T-C.
Other names: short protein forms C75R.
Identifiers: ClinVar variation 663941 (VCV000663941.10), dbSNP rs963182706, ClinGen allele CA286607440.
Genomic context (GRCh38, chr16:89,919,481, plus strand): 5'-GAGAACGCGCTGGTGGTGGCCACCATCGCCAAGAACCGGAACCTGCACTCACCCATGTAC[T>C]GCTTCATCTGCTGCCTGGCCTTGTCGGACCTGCTGGTGAGCGGGAGCAACGTGCTGGAGA-3'
Protein context (NP_002377.4, residues 65-85): KNRNLHSPMY[Cys75Arg]FICCLALSDL